The following is an entry in ClinVar:

NM_016239.4(MYO15A):c.8681T>C (p.Ile2894Thr)

Gene: MYO15A (myosin XVA; plus strand). Cytogenetic location: 17p11.2.
Variant type: single nucleotide variant.
Coding change: c.8681T>C on transcript NM_016239.4 (MANE Select); coding-DNA position 8681, T replaced by C.
Protein change: p.Ile2894Thr; replaces isoleucine 2894 with threonine.
Molecular consequence: missense variant.
Genome position (GRCh38, 1-based): chr17:18,157,033, T>C. VCF-style: chr17-18157033-T-C. GRCh37 (hg19) VCF-style: chr17-18060347-T-C.
Other names: short protein forms I2894T.
Identifiers: ClinVar variation 1185128 (VCV001185128.2), dbSNP rs2142386490, ClinGen allele CA398629418.

ClinVar aggregate classification (germline): Likely pathogenic. Review status: criteria provided, single submitter (1 of 4 stars). 2 submissions from 2 submitters: Likely pathogenic (1). 1 of the submissions does not count toward it. Last evaluated 2025-01-09.

Conditions:
Autosomal recessive nonsyndromic hearing loss 3. Also called: NEUROSENSORY NONSYNDROMIC RECESSIVE DEAFNESS 3. Identifiers: Orphanet 90636, MedGen C1838263, MONDO:0010860, OMIM 600316.

Submissions (2):

Institute of Rare Diseases, West China Hospital, Sichuan University
Classification: Likely pathogenic for Autosomal recessive nonsyndromic hearing loss 3. Last evaluated: 2025-01-09. Review status: criteria provided, single submitter. Criteria: ClinGen HL ACMG Specifications v1. Collection method: research. Allele origin: germline. Affected: yes.
Comment: PM3_Strong;PM2_Supporting;PP3

WangQJ Lab, Chinese People's Liberation Army General Hospital
Classification: Uncertain significance for Autosomal recessive nonsyndromic hearing loss 3. Last evaluated: 2021-07-01. Review status: no assertion criteria provided. Collection method: clinical testing. Allele origin: paternal. Affected: yes. Not counted in ClinVar's aggregate classification.